The following is an entry in ClinVar:

NM_000080.4(CHRNE):c.853G>C (p.Val285Leu)

Genes: C17orf107 (chromosome 17 open reading frame 107; plus strand), CHRNE (cholinergic receptor nicotinic epsilon subunit; minus strand). Cytogenetic location: 17p13.2.
Variant type: single nucleotide variant.
Coding change: c.853G>C on transcript NM_000080.4 (MANE Select); coding-DNA position 853, G replaced by C.
Protein change: p.Val285Leu; replaces valine 285 with leucine.
Molecular consequence: missense variant. On other transcripts: 3 prime UTR variant (1).
Genome position (GRCh38, 1-based): chr17:4,900,857, C>G on the plus strand (G>C on the coding strand, the complement: CHRNE is on the minus strand). VCF-style: chr17-4900857-C-G. GRCh37 (hg19) VCF-style: chr17-4804152-C-G.
Other names: c.*324C>G (NM_001145536.2); short protein forms V285L.
Identifiers: ClinVar variation 800658 (VCV000800658.3), dbSNP rs1597618794, ClinGen allele CA397304503.

ClinVar aggregate classification (germline): Likely pathogenic (1 of 4 stars; one submission).

Conditions:
Neurodevelopmental delay. Identifiers: MedGen C4022738, HP:0012758.
Multifocal seizures. Identifiers: MedGen C3281034, HP:0031165.

Allele frequency attached by ClinVar (database versions not stated): gnomAD 0.00001.
gnomAD v4.1: 1 of 1,614,084 alleles (0.000062%); highest among the groups gnomAD compares: African/African-American, 0.0013%; no homozygotes.

Submission:

Medical Genetics, University of Pavia
Classification: Likely pathogenic for Multifocal seizures; Neurodevelopmental delay. Last evaluated: 2019-12-13. Review status: criteria provided, single submitter. Criteria: ACMG Guidelines, 2015. Collection method: clinical testing. Allele origin: de novo. Inheritance: Autosomal dominant inheritance. Affected: yes. Observed: 1 heterozygote.